The following is an entry in ClinVar:

NM_020738.4(KIDINS220):c.857G>A (p.Arg286Gln)

Gene: KIDINS220 (kinase D interacting substrate 220; minus strand). Cytogenetic location: 2p25.1.
Variant type: single nucleotide variant.
Coding change: c.857G>A on transcript NM_020738.4 (MANE Select); coding-DNA position 857, G replaced by A.
Protein change: p.Arg286Gln; replaces arginine 286 with glutamine.
Molecular consequence: missense variant. On other transcripts: non-coding transcript variant (2).
Genome position (GRCh38, 1-based): chr2:8,800,443, C>T on the plus strand (G>A on the coding strand, the complement: KIDINS220 is on the minus strand). VCF-style: chr2-8800443-C-T. GRCh37 (hg19) VCF-style: chr2-8940573-C-T.
Other names: c.857G>A (NM_020738.2); c.860G>A, p.Arg287Gln (NM_001348729.2, NM_001348731.2, NM_001348734.2 and 3 more transcripts); c.857G>A, p.Arg286Gln (NM_001348732.2, NM_001348735.2, NM_001348738.2 and 3 more transcripts); c.731G>A, p.Arg244Gln (NM_001348736.2); short protein forms R244Q, R286Q, R287Q.
Identifiers: ClinVar variation 1979156 (VCV001979156.5), dbSNP rs373394276, ClinGen allele CA1520331.
Genomic context (GRCh38, chr2:8,800,443, plus strand): 5'-ACTGTAATCACACATACCTGTCCTCTAATGTCTATATCAGCATATTTTTGGAGAAGCGCT[C>T]GAACAATTTCAACATGACCACCTCTGACAGCGCCAATCAACACAGTATCCCCACTCTAAG-3'
Protein context (NP_065789.1, residues 276-296): AVRGGHVEIV[Arg286Gln]ALLQKYADID

ClinVar aggregate classification (germline): Uncertain significance. Review status: criteria provided, single submitter (1 of 4 stars). 2 submissions from 2 submitters: Uncertain significance (1). 1 of the submissions does not count toward it. Last evaluated 2025-04-14.

Conditions:
KIDINS220-related disorder. Also called: KIDINS220-related condition.

Allele frequency attached by ClinVar (database versions not stated): ExAC 0.00002; ESP Exome Variant Server 0.00008.

Submissions (2):

Labcorp Genetics (formerly Invitae), Labcorp
Classification: Uncertain significance. Last evaluated: 2025-04-14. Review status: criteria provided, single submitter. Criteria: Invitae Variant Classification Sherloc (09022015). Collection method: clinical testing. Allele origin: germline.
Comment: This sequence change replaces arginine, which is basic and polar, with glutamine, which is neutral and polar, at codon 286 of the KIDINS220 protein (p.Arg286Gln). This variant is present in population databases (rs373394276, gnomAD 0.01%). This variant has not been reported in the literature in individuals affected with KIDINS220-related conditions. ClinVar contains an entry for this variant (Variation ID: 1979156). An algorithm developed to predict the effect of missense changes on protein structure and function (PolyPhen-2) suggests that this variant is likely to be disruptive. In summary, the available evidence is currently insufficient to determine the role of this variant in disease. Therefore, it has been classified as a Variant of Uncertain Significance.

PreventionGenetics, part of Exact Sciences
Classification: Uncertain significance for KIDINS220-related condition. Last evaluated: 2024-07-24. Review status: no assertion criteria provided. Collection method: clinical testing. Allele origin: germline. Not counted in ClinVar's aggregate classification.
Comment: The KIDINS220 c.857G>A variant is predicted to result in the amino acid substitution p.Arg286Gln. To our knowledge, this variant has not been reported in the literature. This variant is reported in 0.011% of alleles in individuals of Latino descent in gnomAD. At this time, the clinical significance of this variant is uncertain due to the absence of conclusive functional and genetic evidence.